The following is an entry in ClinVar:

ClinVar aggregate classification (germline): Uncertain significance. Review status: criteria provided, multiple submitters, no conflicts (2 of 4 stars). 3 submissions from 3 submitters: Uncertain significance (3). Last evaluated 2025-10-22.

Conditions:
Inborn genetic diseases. Identifiers: MedGen C0950123, MeSH D030342.
Charcot-Marie-Tooth disease axonal type 2P. Also called: CHARCOT-MARIE-TOOTH NEUROPATHY, TYPE 2P; Charcot-Marie-Tooth Neuropathy Type 2G; CHARCOT-MARIE-TOOTH DISEASE, AXONAL, TYPE 2G; CMT 2G. Identifiers: Orphanet 300319, Orphanet 99941, MedGen C3280797, MONDO:0013753, OMIM 614436.

Allele frequency attached by ClinVar (database versions not stated): TOPMed 0.00002.
gnomAD v4.1: 42 of 1,605,398 alleles (0.0026%); highest among the groups gnomAD compares: Admixed American, 0.0051%; no homozygotes.

Submissions (3):

Women's Health and Genetics/Laboratory Corporation of America, LabCorp
Classification: Uncertain significance. Last evaluated: 2025-10-22. Review status: criteria provided, single submitter. Criteria: LabCorp Variant Classification Summary - May 2015. Collection method: clinical testing. Allele origin: germline.
Comment: Variant summary: LRSAM1 c.593C>T (p.Ala198Val) results in a non-conservative amino acid change in the encoded protein sequence. Algorithms developed to predict the effect of missense changes on protein structure and function are either unavailable or do not agree on the potential impact of this missense change. The variant allele was found at a frequency of 3.4e-05 in 233372 control chromosomes. The available data on variant occurrences in the general population are insufficient to allow any conclusion about variant significance. To our knowledge, no occurrence of c.593C>T in individuals affected with LRSAM1-related conditions and no experimental evidence demonstrating its impact on protein function have been reported. ClinVar contains an entry for this variant (Variation ID: 472804). Based on the evidence outlined above, the variant was classified as uncertain significance.

Labcorp Genetics (formerly Invitae), Labcorp
Classification: Uncertain significance for Charcot-Marie-Tooth disease axonal type 2P. Last evaluated: 2022-09-01. Review status: criteria provided, single submitter. Criteria: Invitae Variant Classification Sherloc (09022015). Collection method: clinical testing. Allele origin: germline.
Comment: In summary, the available evidence is currently insufficient to determine the role of this variant in disease. Therefore, it has been classified as a Variant of Uncertain Significance. Algorithms developed to predict the effect of missense changes on protein structure and function are either unavailable or do not agree on the potential impact of this missense change (SIFT: "Deleterious"; PolyPhen-2: "Benign"; Align-GVGD: "Class C0"). ClinVar contains an entry for this variant (Variation ID: 472804). This missense change has been observed in individual(s) with clinical features of LRSAM1-related conditions (Invitae). The frequency data for this variant in the population databases is considered unreliable, as metrics indicate poor data quality at this position in the gnomAD database. This sequence change replaces alanine, which is neutral and non-polar, with valine, which is neutral and non-polar, at codon 198 of the LRSAM1 protein (p.Ala198Val).

Ambry Genetics
Classification: Uncertain significance for Inborn genetic diseases. Last evaluated: 2022-01-15. Review status: criteria provided, single submitter. Criteria: Ambry Variant Classification Scheme 2023. Collection method: clinical testing. Allele origin: germline.
Comment: The p.A198V variant (also known as c.593C>T), located in coding exon 8 of the LRSAM1 gene, results from a C to T substitution at nucleotide position 593. The alanine at codon 198 is replaced by valine, an amino acid with similar properties. This amino acid position is conserved. In addition, this alteration is predicted to be tolerated by in silico analysis. Since supporting evidence is limited at this time, the clinical significance of this alteration remains unclear.

NM_001005373.4(LRSAM1):c.593C>T (p.Ala198Val)

Gene: LRSAM1 (leucine rich repeat and sterile alpha motif containing 1; plus strand). Cytogenetic location: 9q33.3.
Variant type: single nucleotide variant.
Coding change: c.593C>T on transcript NM_001005373.4 (MANE Select); coding-DNA position 593, C replaced by T.
Protein change: p.Ala198Val; replaces alanine 198 with valine.
Molecular consequence: missense variant. On other transcripts: 5 prime UTR variant (1), non-coding transcript variant (2).
Genome position (GRCh38, 1-based): chr9:127,467,804, C>T. VCF-style: chr9-127467804-C-T. GRCh37 (hg19) VCF-style: chr9-130230083-C-T.
Other names: c.593C>T, p.Ala198Val (NM_001005374.4, NM_001190723.3, NM_001384142.1 and 2 more transcripts); c.-192C>T (NM_001384144.1); c.593C>T (NM_138361.4); short protein forms A198V.
Identifiers: ClinVar variation 472804 (VCV000472804.12), dbSNP rs758867006, ClinGen allele CA5246610.